The following is an entry in ClinVar:

NM_002907.4(RECQL):c.1183A>T (p.Met395Leu)

Gene: RECQL (RecQ like helicase; minus strand). Cytogenetic location: 12p12.1.
Variant type: single nucleotide variant.
Coding change: c.1183A>T on transcript NM_002907.4 (MANE Select); coding-DNA position 1183, A replaced by T.
Protein change: p.Met395Leu; replaces methionine 395 with leucine.
Molecular consequence: missense variant.
Genome position (GRCh38, 1-based): chr12:21,475,501, T>A on the plus strand (A>T on the coding strand, the complement: RECQL is on the minus strand). VCF-style: chr12-21475501-T-A. GRCh37 (hg19) VCF-style: chr12-21628435-T-A.
Other names: c.1183A>T, p.Met395Leu (NM_032941.3); short protein forms M395L.
Identifiers: ClinVar variation 1427111 (VCV001427111.8), dbSNP rs2137337722, ClinGen allele CA384119429.
Genomic context (GRCh38, chr12:21,475,501, plus strand): 5'-TTACTTCTGGATTTGAGTCCTACATACCTGCACGTCCACTCTCTTGGTAATAATTTTCCA[T>A]GGATTTACTCATTGAATGATGGATAACAAACCTCACATCTGGCTTATCAATTCCCATACC-3'
Protein context (NP_002898.2, residues 385-405): FVIHHSMSKS[Met395Leu]ENYYQESGRA

ClinVar aggregate classification (germline): Uncertain significance (1 of 4 stars; one submission).

gnomAD v4.1: 1 of 1,612,278 alleles (0.000062%); highest among the groups gnomAD compares: Non-Finnish European, 0.000085%; no homozygotes.

Submission:

Labcorp Genetics (formerly Invitae), Labcorp
Classification: Uncertain significance. Last evaluated: 2021-05-11. Review status: criteria provided, single submitter. Criteria: Invitae Variant Classification Sherloc (09022015). Collection method: clinical testing. Allele origin: germline.
Comment: This variant has not been reported in the literature in individuals with RECQL-related conditions. This variant is not present in population databases (ExAC no frequency). This sequence change replaces methionine with leucine at codon 395 of the RECQL protein (p.Met395Leu). The methionine residue is moderately conserved and there is a small physicochemical difference between methionine and leucine. Algorithms developed to predict the effect of missense changes on protein structure and function (SIFT, PolyPhen-2, Align-GVGD) all suggest that this variant is likely to be tolerated, but these predictions have not been confirmed by published functional studies and their clinical significance is uncertain. In summary, the available evidence is currently insufficient to determine the role of this variant in disease. Therefore, it has been classified as a Variant of Uncertain Significance.